The following is an entry in ClinVar:

NM_015472.6(WWTR1):c.846C>G (p.Pro282=)

Gene: WWTR1 (WW domain containing transcription regulator 1; minus strand). Cytogenetic location: 3q25.1.
Variant type: single nucleotide variant.
Coding change: c.846C>G on transcript NM_015472.6 (MANE Select); coding-DNA position 846, C replaced by G.
Protein change: p.Pro282=; no amino-acid change (proline 282 retained).
Molecular consequence: synonymous variant.
Genome position (GRCh38, 1-based): chr3:149,527,895, G>C on the plus strand (C>G on the coding strand, the complement: WWTR1 is on the minus strand). VCF-style: chr3-149527895-G-C. GRCh37 (hg19) VCF-style: chr3-149245682-G-C.
Other names: c.846C>G, p.Pro282= (NM_001168278.3, NM_001168280.3, NM_001348362.2).
Identifiers: ClinVar variation 2654219 (VCV002654219.24), dbSNP rs2473039720, ClinGen allele CA436343286.

ClinVar aggregate classification (germline): Likely benign (1 of 4 stars; one submission).

Submission:

CeGaT Center for Human Genetics Tuebingen
Classification: Likely benign. Last evaluated: 2023-01-01. Review status: criteria provided, single submitter. Criteria: CeGaT Center For Human Genetics Tuebingen Variant Classification Criteria Version 2. Collection method: clinical testing. Allele origin: germline. Affected: yes. Observed: 1 variant allele.
Comment: WWTR1: PM2:Supporting, BP4, BP7